The following is an entry in ClinVar:

NM_002941.4(ROBO1):c.1363C>A (p.Pro455Thr)

Gene: ROBO1 (roundabout guidance receptor 1; minus strand). Cytogenetic location: 3p12.3.
Variant type: single nucleotide variant.
Coding change: c.1363C>A on transcript NM_002941.4 (MANE Select); coding-DNA position 1363, C replaced by A.
Protein change: p.Pro455Thr; replaces proline 455 with threonine.
Molecular consequence: missense variant.
Genome position (GRCh38, 1-based): chr3:78,670,281, G>T on the plus strand (C>A on the coding strand, the complement: ROBO1 is on the minus strand). VCF-style: chr3-78670281-G-T. GRCh37 (hg19) VCF-style: chr3-78719431-G-T.
Other names: c.1255C>A, p.Pro419Thr (NM_001145844.1, NM_001145845.2, NM_133631.4); short protein forms P419T, P455T.
Identifiers: ClinVar variation 2988372 (VCV002988372.3), dbSNP rs1316374383, ClinGen allele CA353671883.

ClinVar aggregate classification (germline): Uncertain significance (1 of 4 stars; one submission).

Submission:

Labcorp Genetics (formerly Invitae), Labcorp
Classification: Uncertain significance. Last evaluated: 2023-03-14. Review status: criteria provided, single submitter. Criteria: Invitae Variant Classification Sherloc (09022015). Collection method: clinical testing. Allele origin: germline.
Comment: In summary, the available evidence is currently insufficient to determine the role of this variant in disease. Therefore, it has been classified as a Variant of Uncertain Significance. Advanced modeling of protein sequence and biophysical properties (such as structural, functional, and spatial information, amino acid conservation, physicochemical variation, residue mobility, and thermodynamic stability) performed at Invitae indicates that this missense variant is expected to disrupt ROBO1 protein function. This variant has not been reported in the literature in individuals affected with ROBO1-related conditions. This variant is not present in population databases (gnomAD no frequency). This sequence change replaces proline, which is neutral and non-polar, with threonine, which is neutral and polar, at codon 455 of the ROBO1 protein (p.Pro455Thr).